The following is an entry in ClinVar:

NM_000548.5(TSC2):c.2552C>A (p.Ala851Asp)

Gene: TSC2 (TSC complex subunit 2; plus strand). Cytogenetic location: 16p13.3.
Variant type: single nucleotide variant.
Coding change: c.2552C>A on transcript NM_000548.5 (MANE Select); coding-DNA position 2552, C replaced by A.
Protein change: p.Ala851Asp; replaces alanine 851 with aspartic acid.
Molecular consequence: missense variant. On other transcripts: non-coding transcript variant (5).
Genome position (GRCh38, 1-based): chr16:2,075,805, C>A. VCF-style: chr16-2075805-C-A. GRCh37 (hg19) VCF-style: chr16-2125806-C-A.
Other names: c.2642C>A, p.Ala881Asp (NM_001406667.1, NM_001406668.1); c.2441C>A, p.Ala814Asp (NM_001406670.1, NM_001406678.1, NM_001318827.2); c.2540C>A, p.Ala847Asp (NM_001406671.1, NM_001406673.1); c.2405C>A, p.Ala802Asp (NM_001406675.1, NM_001406676.1, NM_001406679.1 and 1 more transcripts); c.2495C>A, p.Ala832Asp (NM_001406677.1); c.1208C>A, p.Ala403Asp (NM_001406689.1, NM_001406690.1, NM_001406691.1 and 6 more transcripts); c.950C>A, p.Ala317Asp (NM_001406698.1); c.2552C>A, p.Ala851Asp (NM_001077183.3, NM_001114382.3, NM_001363528.2 and 6 more transcripts); and 3 more; short protein forms A881D, A403D, A802D, A814D, A847D, A862D, A317D, A651D.
Identifiers: ClinVar variation 5005517 (VCV005005517.2).

ClinVar aggregate classification (germline): Uncertain significance (1 of 4 stars; one submission).

Conditions:
Tuberous sclerosis 2 (TSC2). Identifiers: Orphanet 805, MedGen C1860707, MONDO:0013199, OMIM 613254.
Isolated focal cortical dysplasia type II (FCORD2). Also called: CORTICAL DYSPLASIA OF TAYLOR; Focal cortical dysplasia type II. Identifiers: Orphanet 268994, MedGen C1846385, MONDO:0011818, OMIM 607341, HP:0032051.
Lymphangiomyomatosis (LAM). Also called: Lymphangioleiomyomatosis; Lymphangioleiomyomatosis, somatic. Identifiers: Orphanet 538, MedGen C0751674, MONDO:0011705, OMIM 606690.

Submission:

Juno Genomics, Hangzhou Juno Genomics, Inc
Classification: Uncertain significance for Tuberous sclerosis 2; Isolated focal cortical dysplasia type II; Lymphangiomyomatosis. Review status: criteria provided, single submitter. Criteria: ACMG Guidelines, 2015. Collection method: clinical testing. Allele origin: germline.
Comment: Absent from controls (or at extremely low frequency if recessive) in Genome Aggregation Database.;Multiple lines of computational evidence support a deleterious effect on the gene or gene product.